The following is an entry in ClinVar:

ClinVar aggregate classification (germline): Benign/Likely benign. Review status: criteria provided, multiple submitters, no conflicts (2 of 4 stars). 2 submissions from 2 submitters: Benign (1); Likely benign (1). Last evaluated 2025-01-14.

Conditions:
Familial cancer of breast. Also called: hereditary breast carcinoma; Hereditary breast cancer; BREAST CANCER, FAMILIAL. Identifiers: Orphanet 227535, MedGen C0346153, MONDO:0016419, OMIM 114480. Disease mechanism: loss of function.

Submissions (2):

Myriad Genetics, Inc.
Classification: Benign for Familial cancer of breast. Last evaluated: 2025-01-14. Review status: criteria provided, single submitter. Criteria: Myriad Autosomal Dominant, Autosomal Recessive and X-Linked Classification Criteria (2023). Collection method: clinical testing. Allele origin: unknown.
Comment: This variant is considered benign. This variant is a silent/synonymous amino acid change and it is not expected to impact splicing.

Labcorp Genetics (formerly Invitae), Labcorp
Classification: Likely benign for Familial cancer of breast. Last evaluated: 2020-07-15. Review status: criteria provided, single submitter. Criteria: Invitae Variant Classification Sherloc (09022015). Collection method: clinical testing. Allele origin: germline.

NM_024675.4(PALB2):c.1587A>G (p.Pro529=)

Gene: PALB2 (partner and localizer of BRCA2; minus strand). Cytogenetic location: 16p12.2.
Variant type: single nucleotide variant.
Coding change: c.1587A>G on transcript NM_024675.4 (MANE Select); coding-DNA position 1587, A replaced by G.
Protein change: p.Pro529=; no amino-acid change (proline 529 retained).
Molecular consequence: synonymous variant.
Genome position (GRCh38, 1-based): chr16:23,634,959, T>C on the plus strand (A>G on the coding strand, the complement: PALB2 is on the minus strand). VCF-style: chr16-23634959-T-C. GRCh37 (hg19) VCF-style: chr16-23646280-T-C.
Identifiers: ClinVar variation 1078175 (VCV001078175.11), dbSNP rs1597095555, ClinGen allele CA494461263.
Genomic context (GRCh38, chr16:23,634,959, plus strand): 5'-GTGTGAGGTGACTTCTTCCTTGGACCTGTTAACAATCGACAGGCTAGAAGTTGGCAAAAG[T>C]GGTTCACAATGATCTGATGCTGGGGTGCAGGCTGATTTTCTTTTTCCTGTGTATCTTCTA-3'
Protein context (NP_078951.2, residues 519-539): ACTPASDHCE[Pro529=]LLPTSSLSIV